The following is an entry in ClinVar:

ClinVar aggregate classification (germline): Uncertain significance. Review status: criteria provided, multiple submitters, no conflicts (2 of 4 stars). 3 submissions from 3 submitters: Uncertain significance (3). Last evaluated 2023-12-18.

Conditions:
Aortic aneurysm, familial thoracic 4 (AAT4). Also called: AORTIC ANEURYSM/AORTIC DISSECTION AND PATENT DUCTUS ARTERIOSUS. Identifiers: MedGen C1851504, MONDO:0007568, OMIM 132900.
Familial thoracic aortic aneurysm and aortic dissection (TAAD). Also called: Thoracic aortic aneurysms and dissections. Identifiers: Orphanet 91387, MedGen C4707243, MONDO:0019625.

Allele frequency attached by ClinVar (database versions not stated): gnomAD exomes below 0.00001.
gnomAD v4.1: 1 of 1,608,912 alleles (0.000062%); highest among the groups gnomAD compares: Admixed American, 0.0017%; no homozygotes.

Submissions (3):

All of Us Research Program, National Institutes of Health
Classification: Uncertain significance for Familial thoracic aortic aneurysm and aortic dissection. Last evaluated: 2023-12-18. Review status: criteria provided, single submitter. Criteria: ACMG Guidelines, 2015. Collection method: clinical testing. Allele origin: germline. Inheritance: Autosomal dominant inheritance. Observed: 1 variant allele, 1 heterozygote.
Comment: This missense variant replaces glutamic acid with glutamine at codon 1760 of the MYH11 protein. Computational prediction is inconclusive regarding the impact of this variant on protein structure and function (internally defined REVEL score threshold 0.5 < inconclusive < 0.7, PMID: 27666373). To our knowledge, functional studies have not been reported for this variant. This variant has not been reported in individuals affected with MYH11-related disorders in the literature. This variant has not been identified in the general population by the Genome Aggregation Database (gnomAD). The available evidence is insufficient to determine the role of this variant in disease conclusively. Therefore, this variant is classified as a Variant of Uncertain Significance.

This study involves interpretation of variants in research participants for the purpose of population health screening. Participant phenotype was not available at the time of variant classification. Additional details can be found in publication PMID: 35346344, PMCID: PMC8962531

Color Diagnostics, LLC DBA Color Health
Classification: Uncertain significance for Familial thoracic aortic aneurysm and aortic dissection. Last evaluated: 2023-11-22. Review status: criteria provided, single submitter. Criteria: ACMG Guidelines, 2015. Collection method: clinical testing. Allele origin: germline.
Comment: This missense variant replaces glutamic acid with glutamine at codon 1760 of the MYH11 protein. Computational prediction is inconclusive regarding the impact of this variant on protein structure and function. To our knowledge, functional studies have not been reported for this variant. This variant has not been reported in individuals affected with MYH11-related disorders in the literature. This variant has not been identified in the general population by the Genome Aggregation Database (gnomAD). The available evidence is insufficient to determine the role of this variant in disease conclusively. Therefore, this variant is classified as a Variant of Uncertain Significance.

Labcorp Genetics (formerly Invitae), Labcorp
Classification: Uncertain significance for Aortic aneurysm, familial thoracic 4. Last evaluated: 2018-03-28. Review status: criteria provided, single submitter. Criteria: Invitae Variant Classification Sherloc (09022015). Collection method: clinical testing. Allele origin: germline.
Comment: This variant has not been reported in the literature in individuals with MYH11-related disease. This variant is not present in population databases (ExAC no frequency). This sequence change replaces glutamic acid with glutamine at codon 1760 of the MYH11 protein (p.Glu1760Gln). The glutamic acid residue is highly conserved and there is a small physicochemical difference between glutamic acid and glutamine. Algorithms developed to predict the effect of missense changes on protein structure and function (SIFT, PolyPhen-2, Align-GVGD) all suggest that this variant is likely to be disruptive, but these predictions have not been confirmed by published functional studies and their clinical significance is uncertain. In summary, the available evidence is currently insufficient to determine the role of this variant in disease. Therefore, it has been classified as a Variant of Uncertain Significance.

NM_002474.3(MYH11):c.5257G>C (p.Glu1753Gln)

Genes: NDE1 (nudE neurodevelopment protein 1; plus strand), MYH11 (myosin heavy chain 11; minus strand). Cytogenetic location: 16p13.11.
Variant type: single nucleotide variant.
Coding change: c.5257G>C on transcript NM_002474.3 (MANE Select); coding-DNA position 5257, G replaced by C.
Protein change: p.Glu1753Gln; replaces glutamic acid 1753 with glutamine.
Molecular consequence: missense variant. On other transcripts: intron variant (2).
Genome position (GRCh38, 1-based): chr16:15,718,353, C>G on the plus strand (G>C on the coding strand, the complement: MYH11 is on the minus strand). VCF-style: chr16-15718353-C-G. GRCh37 (hg19) VCF-style: chr16-15812210-C-G.
Other names: c.5278G>C, p.Glu1760Gln (NM_001040113.2, NM_001040114.2); c.5257G>C, p.Glu1753Gln (NM_022844.3); c.948-5838C>G (NM_001143979.2, NM_017668.3); short protein forms E1753Q, E1760Q.
Identifiers: ClinVar variation 1046763 (VCV001046763.9), dbSNP rs2040280173, ClinGen allele CA394850001.